The following is an entry in ClinVar:

ClinVar aggregate classification (germline): Benign (1 of 4 stars; one submission).

Conditions:
Wolfram syndrome 1 (WFS1). Identifiers: Orphanet 3463, MedGen C4551693, MONDO:0009101, OMIM 222300.

Allele frequency attached by ClinVar (database versions not stated): gnomAD 0.00002; TOPMed 0.00002.

Submission:

Clinical Genomics, Uppaluri K&H Personalized Medicine Clinic
Classification: Benign for Wolfram syndrome 1. Review status: criteria provided, single submitter. Criteria: K & H Uppaluri Personalized Medicine Clinic Variant Classification & Assertion Criteria_Updated V.1. Collection method: research. Allele origin: unknown. Inheritance: Autosomal recessive inheritance.
Comment: Potent mutations in WFS1 gene are associated with Wolfram's syndrome, an autosomal recessive condition, which cause diabetes mellitus, diabetes insipidus, deafness and optic atrophy.However no sufficient evidence is found to ascertain the role of this particular variant rs904935032 in Wolfram's syndrome yet.

Literature cited by the submitters: PubMed 20738327; PubMed 33879153; PubMed 12955714; PubMed 18060660; PubMed 20301750; PubMed 17603484.

NM_006005.3(WFS1):c.*553G>C

Gene: WFS1 (wolframin ER transmembrane glycoprotein; plus strand). Cytogenetic location: 4p16.1.
Variant type: single nucleotide variant.
Coding change: c.*553G>C on transcript NM_006005.3 (MANE Select); 553 bases downstream of the stop codon, G replaced by C.
Molecular consequence: 3 prime UTR variant.
Genome position (GRCh38, 1-based): chr4:6,303,021, G>C. VCF-style: chr4-6303021-G-C. GRCh37 (hg19) VCF-style: chr4-6304748-G-C.
Other names: c.*553G>C (NM_001145853.1).
Identifiers: ClinVar variation 2429731 (VCV002429731.1), dbSNP rs904935032, ClinGen allele CA91798432.